The following is an entry in ClinVar:

NM_001080.3(ALDH5A1):c.665del (p.Gly222fs)

Gene: ALDH5A1 (aldehyde dehydrogenase 5 family member A1; plus strand). Cytogenetic location: 6p22.3.
Variant type: Deletion.
Coding change: c.665del on transcript NM_001080.3 (MANE Select); coding-DNA position 665, one base deleted (G; older notation c.665delG).
Protein change: p.Gly222fs; shifts the reading frame from glycine 222.
Molecular consequence: frameshift variant.
Genome position (GRCh38, 1-based): chr6:24,504,924, G deleted; the last of 2 consecutive G bases (chr6:24,504,923-24,504,924); deleting either gives the same sequence. VCF-style (leftmost placement, unchanged base first): chr6-24504922-CG-C. GRCh37 (hg19) VCF-style: chr6-24505150-CG-C.
Other names: c.665del, p.Gly222fs (NM_001368954.1, NM_170740.1); short protein forms G222fs.
Identifiers: ClinVar variation 1323875 (VCV001323875.5), dbSNP rs1759308366, ClinGen allele CA1616512278.
Genomic context (GRCh38, chr6:24,504,922, plus strand): 5'-ACCCCAGTGGAATTTCCCCAGTGCCATGATCACCCGGAAGGTGGGGGCCGCCCTGGCAGC[CG>C]GCTGTACTGTCGTGGTGAAGCCTGCCGAAGACACGCCCTTCTCCGCCCTGGCCCTGGCTG-3'

ClinVar aggregate classification (germline): Pathogenic/Likely pathogenic. Review status: criteria provided, multiple submitters, no conflicts (2 of 4 stars). 2 submissions from 2 submitters: Pathogenic (1); Likely pathogenic (1). Last evaluated 2024-09-10.

Conditions:
Succinate-semialdehyde dehydrogenase deficiency (SSADHD). Also called: Succinic Semialdehyde Dehydrogenase Deficiency; 4-HYDROXYBUTYRIC ACIDURIA; GABA METABOLIC DEFECT; SSADH DEFICIENCY. Identifiers: Orphanet 22, MedGen C0268631, MONDO:0010083, OMIM 271980.

Submissions (2):

Labcorp Genetics (formerly Invitae), Labcorp
Classification: Pathogenic for Succinate-semialdehyde dehydrogenase deficiency. Last evaluated: 2024-09-10. Review status: criteria provided, single submitter. Criteria: Invitae Variant Classification Sherloc (09022015). Collection method: clinical testing. Allele origin: germline.
Comment: This sequence change creates a premature translational stop signal (p.Gly222Alafs*6) in the ALDH5A1 gene. It is expected to result in an absent or disrupted protein product. Loss-of-function variants in ALDH5A1 are known to be pathogenic (PMID: 14635103). This variant is not present in population databases (gnomAD no frequency). This variant has not been reported in the literature in individuals affected with ALDH5A1-related conditions. ClinVar contains an entry for this variant (Variation ID: 1323875). For these reasons, this variant has been classified as Pathogenic.

Fulgent Genetics
Classification: Likely pathogenic for Succinate-semialdehyde dehydrogenase deficiency. Last evaluated: 2021-11-15. Review status: criteria provided, single submitter. Criteria: ACMG Guidelines, 2015. Collection method: clinical testing. Allele origin: unknown.

Literature cited by the submitters: PubMed 14635103 (cited by Labcorp Genetics (formerly Invitae), Labcorp).